The following is an entry in ClinVar:

ClinVar aggregate classification (germline): Uncertain significance (1 of 4 stars; one submission).

Conditions:
Joubert syndrome. Also called: Familial aplasia of the vermis; CEREBELLOPARENCHYMAL DISORDER IV; JOUBERT-BOLTSHAUSER SYNDROME. Identifiers: Orphanet 475, MedGen C5979921, MONDO:0018772.
Meckel-Gruber syndrome. Also called: Dysencephalia splachnocystica; DYSENCEPHALIA SPLANCHNOCYSTICA; GRUBER SYNDROME. Identifiers: Orphanet 564, MedGen C0265215, MONDO:0018921.

Allele frequency attached by ClinVar (database versions not stated): TOPMed 0.00002.
gnomAD v4.1: 39 of 1,614,076 alleles (0.0024%); highest among the groups gnomAD compares: Middle Eastern, 0.016%; no homozygotes.

Submission:

Labcorp Genetics (formerly Invitae), Labcorp
Classification: Uncertain significance for Joubert syndrome; Meckel-Gruber syndrome. Last evaluated: 2022-01-06. Review status: criteria provided, single submitter. Criteria: Invitae Variant Classification Sherloc (09022015). Collection method: clinical testing. Allele origin: germline.
Comment: This sequence change replaces valine, which is neutral and non-polar, with isoleucine, which is neutral and non-polar, at codon 347 of the TCTN1 protein (p.Val347Ile). This variant is present in population databases (rs199967338, gnomAD 0.004%). This variant has not been reported in the literature in individuals affected with TCTN1-related conditions. ClinVar contains an entry for this variant (Variation ID: 1041514). Algorithms developed to predict the effect of missense changes on protein structure and function (SIFT, PolyPhen-2, Align-GVGD) all suggest that this variant is likely to be tolerated. In summary, the available evidence is currently insufficient to determine the role of this variant in disease. Therefore, it has been classified as a Variant of Uncertain Significance.

NM_001082538.3(TCTN1):c.1039G>A (p.Val347Ile)

Gene: TCTN1 (tectonic family member 1; plus strand). Cytogenetic location: 12q24.11.
Variant type: single nucleotide variant.
Coding change: c.1039G>A on transcript NM_001082538.3 (MANE Select); coding-DNA position 1039, G replaced by A.
Protein change: p.Val347Ile; replaces valine 347 with isoleucine.
Molecular consequence: missense variant. On other transcripts: non-coding transcript variant (1).
Genome position (GRCh38, 1-based): chr12:110,641,084, G>A. VCF-style: chr12-110641084-G-A. GRCh37 (hg19) VCF-style: chr12-111078889-G-A.
Other names: c.1039G>A, p.Val347Ile (NM_001082537.3, NM_001319680.2); c.871G>A, p.Val291Ile (NM_001173975.3); c.859G>A, p.Val287Ile (NM_001173976.2); c.505G>A, p.Val169Ile (NM_001319681.2); c.997G>A, p.Val333Ile (NM_024549.6); short protein forms V291I, V169I, V287I, V333I, V347I.
Identifiers: ClinVar variation 1041514 (VCV001041514.6), dbSNP rs199967338, ClinGen allele CA243565528.